The following is an entry in ClinVar:

NM_004444.5(EPHB4):c.1079G>A (p.Arg360His)

Gene: EPHB4 (EPH receptor B4; minus strand). Cytogenetic location: 7q22.1.
Variant type: single nucleotide variant.
Coding change: c.1079G>A on transcript NM_004444.5 (MANE Select); coding-DNA position 1079, G replaced by A.
Protein change: p.Arg360His; replaces arginine 360 with histidine.
Molecular consequence: missense variant.
Genome position (GRCh38, 1-based): chr7:100,819,775, C>T on the plus strand (G>A on the coding strand, the complement: EPHB4 is on the minus strand). VCF-style: chr7-100819775-C-T. GRCh37 (hg19) VCF-style: chr7-100417397-C-T.
Other names: p.Arg360His; short protein forms R360H.
Identifiers: ClinVar variation 1595738 (VCV001595738.21), dbSNP rs202006098, ClinGen allele CA4393112.

ClinVar aggregate classification (germline): Benign/Likely benign. Review status: criteria provided, multiple submitters, no conflicts (2 of 4 stars). 5 submissions from 5 submitters: Benign (1); Likely benign (4). Last evaluated 2025-11-14.

Conditions:
Cardiovascular phenotype. Identifiers: MedGen CN230736.

Allele frequency attached by ClinVar (database versions not stated): ESP Exome Variant Server 0.00016; TOPMed 0.00024; gnomAD 0.00026 and 0.00028; gnomAD exomes 0.00040; 1000 Genomes Project 30x 0.00047; 1000 Genomes Project 0.00060; ExAC 0.00077.
gnomAD v4.1: 1,025 of 1,588,892 alleles (0.065%); highest among the groups gnomAD compares: South Asian, 0.092%; 1 homozygote.

Submissions (5):

Mayo Clinic Laboratories, Mayo Clinic
Classification: Likely benign. Last evaluated: 2025-11-14. Review status: criteria provided, single submitter. Criteria: ACMG Guidelines, 2015. Collection method: clinical testing. Allele origin: germline. Observed: 1 variant allele.
Comment: BS1, BP4

CeGaT Center for Human Genetics Tuebingen
Classification: Likely benign. Last evaluated: 2025-08-01. Review status: criteria provided, single submitter. Criteria: CeGaT Center For Human Genetics Tuebingen Variant Classification Criteria Version 2. Collection method: clinical testing. Allele origin: germline. Affected: yes. Observed: 1 variant allele.
Comment: EPHB4: BS2

Blueprint Genetics
Classification: Likely benign. Last evaluated: 2024-10-23. Review status: criteria provided, single submitter. Criteria: ACMG Guidelines, 2015. Collection method: clinical testing. Allele origin: germline.

Labcorp Genetics (formerly Invitae), Labcorp
Classification: Likely benign. Last evaluated: 2024-09-27. Review status: criteria provided, single submitter. Criteria: Invitae Variant Classification Sherloc (09022015). Collection method: clinical testing. Allele origin: germline.

Ambry Genetics
Classification: Benign for Cardiovascular phenotype. Last evaluated: 2024-05-17. Review status: criteria provided, single submitter. Criteria: Ambry Variant Classification Scheme 2023. Collection method: clinical testing. Allele origin: germline.